The following is an entry in ClinVar:

ClinVar aggregate classification (germline): Pathogenic (1 of 4 stars; one submission).

Conditions:
Alagille syndrome due to a JAG1 point mutation. Also called: HEPATIC DUCTULAR HYPOPLASIA, SYNDROMATIC; JAG1-Related Alagille Syndrome; Alagille Syndrome 1. Identifiers: Orphanet 261619, Orphanet 52, MedGen C1956125, MONDO:0016862, OMIM 118450.

Submission:

Labcorp Genetics (formerly Invitae), Labcorp
Classification: Pathogenic for Alagille syndrome due to a JAG1 point mutation. Last evaluated: 2023-03-02. Review status: criteria provided, single submitter. Criteria: Invitae Variant Classification Sherloc (09022015). Collection method: clinical testing. Allele origin: germline.
Comment: This variant has not been reported in the literature in individuals affected with JAG1-related conditions. For these reasons, this variant has been classified as Pathogenic. This variant is not present in population databases (gnomAD no frequency). This sequence change creates a premature translational stop signal (p.Thr975Leufs*9) in the JAG1 gene. It is expected to result in an absent or disrupted protein product. Loss-of-function variants in JAG1 are known to be pathogenic (PMID: 11180599).

Literature cited by the submitters: PubMed 11180599.

NM_000214.3(JAG1):c.2919del (p.Thr975fs)

Gene: JAG1 (jagged canonical Notch ligand 1; minus strand). Cytogenetic location: 20p12.2.
Variant type: Deletion.
Coding change: c.2919del on transcript NM_000214.3 (MANE Select); coding-DNA position 2919, one base deleted (T; older notation c.2919delT).
Protein change: p.Thr975fs; shifts the reading frame from threonine 975.
Molecular consequence: frameshift variant.
Genome position (GRCh38, 1-based): chr20:10,641,242, A deleted on the plus strand (T on the coding strand, the reverse complement: JAG1 is on the minus strand). VCF-style (leftmost placement, unchanged base first): chr20-10641241-GA-G. GRCh37 (hg19) VCF-style: chr20-10621889-GA-G.
Other names: short protein forms T975fs.
Identifiers: ClinVar variation 2842346 (VCV002842346.3), dbSNP rs2514508523, ClinGen allele CA2739277053.